The following is an entry in ClinVar:

NM_002230.4(JUP):c.842A>G (p.Asn281Ser)

Gene: JUP (junction plakoglobin; minus strand). Cytogenetic location: 17q21.2.
Variant type: single nucleotide variant.
Coding change: c.842A>G on transcript NM_002230.4 (MANE Select); coding-DNA position 842, A replaced by G.
Protein change: p.Asn281Ser; replaces asparagine 281 with serine.
Molecular consequence: missense variant.
Genome position (GRCh38, 1-based): chr17:41,767,446, T>C on the plus strand (A>G on the coding strand, the complement: JUP is on the minus strand). VCF-style: chr17-41767446-T-C. GRCh37 (hg19) VCF-style: chr17-39923698-T-C.
Other names: c.842A>G, p.Asn281Ser (NM_001352773.2, NM_001352774.2, NM_001352775.2 and 3 more transcripts); short protein forms N281S.
Identifiers: ClinVar variation 928583 (VCV000928583.1), dbSNP rs574465470, ClinGen allele CA8565372.

ClinVar aggregate classification (germline): Uncertain significance (1 of 4 stars; one submission).

Allele frequency attached by ClinVar (database versions not stated): gnomAD exomes below 0.00001; ExAC 0.00001; gnomAD 0.00001; 1000 Genomes Project 0.00020; 1000 Genomes Project 30x 0.00031.

Submission:

Women's Health and Genetics/Laboratory Corporation of America, LabCorp
Classification: Uncertain significance. Last evaluated: 2019-02-11. Review status: criteria provided, single submitter. Criteria: LabCorp Variant Classification Summary - May 2015. Collection method: clinical testing. Allele origin: germline.
Comment: Variant summary: JUP c.842A>G (p.Asn281Ser) results in a conservative amino acid change in the encoded protein sequence. Four of five in-silico tools predict a damaging effect of the variant on protein function. The variant allele was found at a frequency of 4.1e-06 in 246222 control chromosomes. The available data on variant occurrences in the general population are insufficient to allow any conclusion about variant significance. To our knowledge, no occurrence of c.842A>G in individuals affected with Cardiomyopathy and no experimental evidence demonstrating its impact on protein function have been reported. No clinical diagnostic laboratories have submitted clinical-significance assessments for this variant to ClinVar after 2014. Based on the evidence outlined above, the variant was classified as uncertain significance.